The following is an entry in ClinVar:

NM_000136.3(FANCC):c.1279G>A (p.Ala427Thr)

Genes: FANCC (FA complementation group C; minus strand), AOPEP (aminopeptidase O (putative); plus strand). Cytogenetic location: 9q22.32.
Variant type: single nucleotide variant.
Coding change: c.1279G>A on transcript NM_000136.3 (MANE Select); coding-DNA position 1279, G replaced by A.
Protein change: p.Ala427Thr; replaces alanine 427 with threonine.
Molecular consequence: missense variant.
Genome position (GRCh38, 1-based): chr9:95,111,513, C>T on the plus strand (G>A on the coding strand, the complement: FANCC is on the minus strand). VCF-style: chr9-95111513-C-T. GRCh37 (hg19) VCF-style: chr9-97873795-C-T.
Other names: c.1279G>A, p.Ala427Thr (NM_001243743.2, NM_001243744.2); short protein forms A427T.
Identifiers: ClinVar variation 2462821 (VCV002462821.3), dbSNP rs2134547874, ClinGen allele CA374107323.
Genomic context (GRCh38, chr9:95,111,513, plus strand): 5'-TGCTACCCACCATAGTCTGTGCTCTCTGCTGCCTCCCATCACGGGGGCCGTAGTAGAAGG[C>T]CAAGAGCCACAGCAGGGCCGTGGGGGGTTCGGCTGCCGACATCAGTAATTGCTCTGCCAC-3'
Protein context (NP_000127.2, residues 417-437): EPPTALLWLL[Ala427Thr]FYYGPRDGRQ

ClinVar aggregate classification (germline): Uncertain significance (1 of 4 stars; one submission).

Conditions:
Hereditary cancer-predisposing syndrome. Also called: Neoplastic Syndromes, Hereditary; Hereditary neoplastic syndrome; Tumor predisposition; Hereditary Cancer Syndrome. Identifiers: Orphanet 140162, MedGen C0027672, MeSH D009386, MONDO:0015356.

Allele frequency attached by ClinVar (database versions not stated): gnomAD exomes below 0.00001.
gnomAD v4.1: 1 of 1,614,084 alleles (0.000062%); highest among the groups gnomAD compares: Non-Finnish European, 0.000085%; no homozygotes.

Submission:

Ambry Genetics
Classification: Uncertain significance for Hereditary cancer-predisposing syndrome. Last evaluated: 2025-10-23. Review status: criteria provided, single submitter. Criteria: Ambry Variant Classification Scheme 2023. Collection method: clinical testing. Allele origin: germline.
Comment: The p.A427T variant (also known as c.1279G>A), located in coding exon 12 of the FANCC gene, results from a G to A substitution at nucleotide position 1279. The alanine at codon 427 is replaced by threonine, an amino acid with similar properties. This amino acid position is well conserved in available vertebrate species. In addition, this alteration is predicted to be tolerated by in silico analysis. Since supporting evidence is limited at this time, the clinical significance of this alteration remains unclear.